The following is an entry in ClinVar:

ClinVar aggregate classification (germline): Pathogenic (1 of 4 stars; one submission).

Allele frequency attached by ClinVar (database versions not stated): gnomAD 0.00001; TOPMed 0.00001.
gnomAD v4.1: 1 of 1,613,846 alleles (0.000062%); highest among the groups gnomAD compares: Non-Finnish European, 0.000085%; no homozygotes.

Submission:

Labcorp Genetics (formerly Invitae), Labcorp
Classification: Pathogenic. Last evaluated: 2022-12-03. Review status: criteria provided, single submitter. Criteria: Invitae Variant Classification Sherloc (09022015). Collection method: clinical testing. Allele origin: germline.
Comment: For these reasons, this variant has been classified as Pathogenic. This variant has not been reported in the literature in individuals affected with NBAS-related conditions. This variant is not present in population databases (gnomAD no frequency). This sequence change creates a premature translational stop signal (p.Glu956*) in the NBAS gene. It is expected to result in an absent or disrupted protein product. Loss-of-function variants in NBAS are known to be pathogenic (PMID: 26073778, 26541327, 27789416, 28031453).

Literature cited by the submitters: PubMed 26073778; PubMed 26541327; PubMed 27789416; PubMed 28031453.

NM_015909.4(NBAS):c.2866G>T (p.Glu956Ter)

Gene: NBAS (NBAS subunit of NRZ tethering complex; minus strand). Cytogenetic location: 2p24.3.
Variant type: single nucleotide variant.
Coding change: c.2866G>T on transcript NM_015909.4 (MANE Select); coding-DNA position 2866, G replaced by T.
Protein change: p.Glu956Ter; replaces glutamic acid 956 with a stop codon.
Molecular consequence: nonsense. On other transcripts: non-coding transcript variant (1).
Genome position (GRCh38, 1-based): chr2:15,415,617, C>A on the plus strand (G>T on the coding strand, the complement: NBAS is on the minus strand). VCF-style: chr2-15415617-C-A. GRCh37 (hg19) VCF-style: chr2-15555741-C-A.
Other names: short protein forms E956*.
Identifiers: ClinVar variation 2807934 (VCV002807934.3), dbSNP rs1400901127, ClinGen allele CA345885650.